The following is an entry in ClinVar:

NM_007227.3(GPR45):c.309G>A (p.Gly103=)

Gene: GPR45 (G protein-coupled receptor 45; plus strand). Cytogenetic location: 2q12.1.
Variant type: single nucleotide variant.
Coding change: c.309G>A on transcript NM_007227.3 (MANE Select); coding-DNA position 309, G replaced by A.
Protein change: p.Gly103=; no amino-acid change (glycine 103 retained).
Molecular consequence: synonymous variant.
Genome position (GRCh38, 1-based): chr2:105,242,167, G>A. VCF-style: chr2-105242167-G-A. GRCh37 (hg19) VCF-style: chr2-105858624-G-A.
Identifiers: ClinVar variation 2693042 (VCV002693042.3), dbSNP rs991155239, ClinGen allele CA428208318.
Genomic context (GRCh38, chr2:105,242,167, plus strand): 5'-GTCCCTCTGCTGCATGCCCTTCACCGCCGTCACCCTCATCACCGTGCGCTGGCACTTTGG[G>A]GACCACTTCTGCCGCCTCTCAGCCACGCTCTACTGGTTTTTTGTCCTGGAGGGCGTGGCC-3'
Protein context (NP_009158.3, residues 93-113): VTLITVRWHF[Gly103=]DHFCRLSATL

ClinVar aggregate classification (germline): Uncertain significance (1 of 4 stars; one submission).

Submission:

Labcorp Genetics (formerly Invitae), Labcorp
Classification: Uncertain significance. Last evaluated: 2023-11-10. Review status: criteria provided, single submitter. Criteria: Invitae Variant Classification Sherloc (09022015). Collection method: clinical testing. Allele origin: germline.
Comment: This sequence change affects codon 103 of the GPR45 mRNA. It is a 'silent' change, meaning that it does not change the encoded amino acid sequence of the GPR45 protein. This variant is not present in population databases (gnomAD no frequency). This variant has not been reported in the literature in individuals affected with GPR45-related conditions. In summary, the available evidence is currently insufficient to determine the role of this variant in disease. Therefore, it has been classified as a Variant of Uncertain Significance.